The following is an entry in ClinVar:

ClinVar aggregate classification (germline): Pathogenic (1 of 4 stars; one submission).

Conditions:
PHGDH deficiency. Identifiers: Orphanet 79351, MedGen C1866174, MONDO:0011152, OMIM 601815.

Submission:

Labcorp Genetics (formerly Invitae), Labcorp
Classification: Pathogenic for PHGDH deficiency. Last evaluated: 2023-04-08. Review status: criteria provided, single submitter. Criteria: Invitae Variant Classification Sherloc (09022015). Collection method: clinical testing. Allele origin: germline.
Comment: For these reasons, this variant has been classified as Pathogenic. This variant disrupts a region of the PHGDH protein in which other variant(s) (p.Trp506*) have been determined to be pathogenic (PMID: 30348640). This suggests that this is a clinically significant region of the protein, and that variants that disrupt it are likely to be disease-causing. This variant has not been reported in the literature in individuals affected with PHGDH-related conditions. This variant is not present in population databases (gnomAD no frequency). This sequence change creates a premature translational stop signal (p.Ala428Glnfs*54) in the PHGDH gene. While this is not anticipated to result in nonsense mediated decay, it is expected to disrupt the last 106 amino acid(s) of the PHGDH protein.

Literature cited by the submitters: PubMed 30348640.

NM_006623.4(PHGDH):c.1282del (p.Ala428fs)

Gene: PHGDH (phosphoglycerate dehydrogenase; plus strand). Cytogenetic location: 1p12.
Variant type: Deletion.
Coding change: c.1282del on transcript NM_006623.4 (MANE Select); coding-DNA position 1282, one base deleted (G; older notation c.1282delG).
Protein change: p.Ala428fs; shifts the reading frame from alanine 428.
Molecular consequence: frameshift variant.
Genome position (GRCh38, 1-based): chr1:119,742,879, G deleted; the last of 2 consecutive G bases (chr1:119,742,878-119,742,879); deleting either gives the same sequence. VCF-style (leftmost placement, unchanged base first): chr1-119742877-TG-T. GRCh37 (hg19) VCF-style: chr1-120285500-TG-T.
Other names: short protein forms A428fs.
Identifiers: ClinVar variation 2849689 (VCV002849689.3), dbSNP rs2464203420, ClinGen allele CA2739275203.